The following is an entry in ClinVar:

ClinVar aggregate classification (germline): Conflicting classifications of pathogenicity. Review status: criteria provided, conflicting classifications (1 of 4 stars). 6 submissions from 6 submitters: Uncertain significance (4); Likely benign (1). 1 of the submissions does not count toward it. Last evaluated 2025-12-16.

Conditions:
Cardiovascular phenotype. Identifiers: MedGen CN230736.
RASopathy. Also called: rasopathies; Noonan spectrum disorder. Identifiers: Orphanet 536391, MedGen C5555857, MONDO:0021060.
Noonan syndrome (NS). Also called: Noonan's syndrome. Identifiers: Orphanet 648, MedGen C0028326, MeSH D009634, MONDO:0018997. Disease mechanism: gain of function.

Allele frequency attached by ClinVar (database versions not stated): ExAC 0.00003; gnomAD exomes 0.00003 and 0.00004; gnomAD 0.00008 and 0.00009; TOPMed 0.00011.
gnomAD v4.1: 57 of 1,612,340 alleles (0.0035%); highest among the groups gnomAD compares: Middle Eastern, 0.033%; no homozygotes.

Submissions (7):

Labcorp Genetics (formerly Invitae), Labcorp
Classification: Uncertain significance for RASopathy. Last evaluated: 2025-12-16. Review status: criteria provided, single submitter. Criteria: Invitae Variant Classification Sherloc (09022015). Collection method: clinical testing. Allele origin: germline.
Comment: This sequence change replaces isoleucine, which is neutral and non-polar, with valine, which is neutral and non-polar, at codon 82 of the SOS1 protein (p.Ile82Val). This variant is present in population databases (rs397517157, gnomAD 0.02%). This missense change has been observed in individual(s) with Shone's complex or clinical features of Noonan syndrome (ClinVar Variation ID: 45351). ClinVar contains an entry for this variant (Variation ID: 45351). Invitae Evidence Modeling of protein sequence and biophysical properties (such as structural, functional, and spatial information, amino acid conservation, physicochemical variation, residue mobility, and thermodynamic stability) has been performed for this missense variant. However, the output from this modeling did not meet the statistical confidence thresholds required to predict the impact of this variant on SOS1 protein function. In summary, the available evidence is currently insufficient to determine the role of this variant in disease. Therefore, it has been classified as a Variant of Uncertain Significance.

Mayo Clinic Laboratories, Mayo Clinic
Classification: Uncertain significance. Last evaluated: 2025-09-25. Review status: criteria provided, single submitter. Criteria: ACMG Guidelines, 2015. Collection method: clinical testing. Allele origin: germline. Observed: 1 variant allele.

GeneDx
Classification: Likely benign. Last evaluated: 2025-03-18. Review status: criteria provided, single submitter. Criteria: GeneDx Variant Classification Process June 2021. Collection method: clinical testing. Allele origin: germline. Affected: yes.
Comment: See Variant Classification Assertion Criteria.

Ambry Genetics
Classification: Uncertain significance for Cardiovascular phenotype. Last evaluated: 2024-03-25. Review status: criteria provided, single submitter. Criteria: Ambry Variant Classification Scheme 2023. Collection method: clinical testing. Allele origin: germline.
Comment: The p.I82V variant (also known as c.244A>G), located in coding exon 3 of the SOS1 gene, results from an A to G substitution at nucleotide position 244. The isoleucine at codon 82 is replaced by valine, an amino acid with highly similar properties. This alteration has been reported in a cohort of children with multiple cafe-au-lait macules; however, clinical details were limited (Castellanos E et al. Clin Genet, 2020 02;97:264-275). This amino acid position is highly conserved in available vertebrate species. In addition, the in silico prediction for this alteration is inconclusive. Based on the available evidence, the clinical significance of this alteration remains unclear.

Laboratory for Molecular Medicine, Mass General Brigham Personalized Medicine
Classification: Uncertain significance. Last evaluated: 2015-07-09. Review status: criteria provided, single submitter. Criteria: LMM Criteria. Collection method: clinical testing. Allele origin: germline. Observed: 4 variant alleles.
Comment: Variant classified as Uncertain Significance - Favor Benign. The p.Ile82Val vari ant in SOS1 has been identified by our laboratory in 1 child with Shone's comple x and 1 infant with clinical features of Noonan syndrome; however, both of these individuals inherited this variant from reportedly unaffected parents. This var iant has also been identified in 2/66566 European chromosomes by the Exome Aggre gation Consortium (ExAC; dbSNP rs397517157). Com putational prediction tools and conservation analysis do not provide strong supp ort for or against an impact to the protein. In summary, while the clinical sign ificance of the p.Ile82val variant is uncertain, the identification of this vari ant in an individual with unrelated features and inheritance from unaffected par ents suggest that it is more likely to be benign.

Dr. Peter K. Rogan Lab, Western University
No classification provided (evidence only). Condition: Clear cell carcinoma of kidney. Review status: no classification provided. Collection method: in vitro. Allele origin: not applicable. Functional consequence: retained intron. Not counted in ClinVar's aggregate classification.

Service de Génétique Moléculaire, Hôpital Robert Debré
Classification: Uncertain significance for Noonan syndrome. Review status: no assertion criteria provided. Collection method: clinical testing. Allele origin: unknown. Affected: yes. Not counted in ClinVar's aggregate classification.

Literature cited by the submitters: PubMed 31573083 (cited by Mayo Clinic Laboratories, Mayo Clinic and Ambry Genetics).

NM_005633.4(SOS1):c.244A>G (p.Ile82Val)

Gene: SOS1 (SOS Ras/Rac guanine nucleotide exchange factor 1; minus strand). Cytogenetic location: 2p22.1.
Variant type: single nucleotide variant.
Coding change: c.244A>G on transcript NM_005633.4 (MANE Select); coding-DNA position 244, A replaced by G.
Protein change: p.Ile82Val; replaces isoleucine 82 with valine.
Molecular consequence: missense variant.
Genome position (GRCh38, 1-based): chr2:39,058,774, T>C on the plus strand (A>G on the coding strand, the complement: SOS1 is on the minus strand). VCF-style: chr2-39058774-T-C. GRCh37 (hg19) VCF-style: chr2-39285915-T-C.
Other names: c.223A>G, p.Ile75Val (NM_001382394.1); c.244A>G, p.Ile82Val (NM_001382395.1); short protein forms I82V, I75V.
Identifiers: ClinVar variation 45351 (VCV000045351.20), dbSNP rs397517157, ClinGen allele CA136101.